The following is an entry in ClinVar:

ClinVar aggregate classification (germline): Uncertain significance. Review status: criteria provided, multiple submitters, no conflicts (2 of 4 stars). 2 submissions from 2 submitters: Uncertain significance (2). Last evaluated 2024-05-31.

Conditions:
Primary ciliary dyskinesia. Also called: Ciliary dyskinesia. Identifiers: Orphanet 244, MedGen C0008780, MONDO:0016575, HP:0012265.
Primary ciliary dyskinesia 6. Also called: Primary Ciliary Dyskinesia 6: TXNDC3-Related Primary Ciliary Dyskinesia. Identifiers: Orphanet 244, MedGen C1970506, MONDO:0012571, OMIM 610852.

Allele frequency attached by ClinVar (database versions not stated): ExAC 0.00001; gnomAD exomes 0.00002.
gnomAD v4.1: 4 of 1,612,958 alleles (0.00025%); highest among the groups gnomAD compares: Admixed American, 0.0067%; no homozygotes.

Submissions (2):

Labcorp Genetics (formerly Invitae), Labcorp
Classification: Uncertain significance for Primary ciliary dyskinesia 6. Last evaluated: 2024-05-31. Review status: criteria provided, single submitter. Criteria: Invitae Variant Classification Sherloc (09022015). Collection method: clinical testing. Allele origin: germline.
Comment: This sequence change replaces phenylalanine, which is neutral and non-polar, with isoleucine, which is neutral and non-polar, at codon 487 of the NME8 protein (p.Phe487Ile). This variant is present in population databases (rs755043696, gnomAD 0.01%). This variant has not been reported in the literature in individuals affected with NME8-related conditions. ClinVar contains an entry for this variant (Variation ID: 1053136). Advanced modeling of protein sequence and biophysical properties (such as structural, functional, and spatial information, amino acid conservation, physicochemical variation, residue mobility, and thermodynamic stability) performed at Invitae indicates that this missense variant is not expected to disrupt NME8 protein function with a negative predictive value of 80%. In summary, the available evidence is currently insufficient to determine the role of this variant in disease. Therefore, it has been classified as a Variant of Uncertain Significance.

Ambry Genetics
Classification: Uncertain significance for Primary ciliary dyskinesia. Last evaluated: 2024-02-06. Review status: criteria provided, single submitter. Criteria: Ambry Variant Classification Scheme 2023. Collection method: clinical testing. Allele origin: germline.

NM_016616.5(NME8):c.1459T>A (p.Phe487Ile)

Gene: NME8 (NME/NM23 family member 8; plus strand). Cytogenetic location: 7p14.1.
Variant type: single nucleotide variant.
Coding change: c.1459T>A on transcript NM_016616.5 (MANE Select); coding-DNA position 1459, T replaced by A.
Protein change: p.Phe487Ile; replaces phenylalanine 487 with isoleucine.
Molecular consequence: missense variant.
Genome position (GRCh38, 1-based): chr7:37,894,525, T>A. VCF-style: chr7-37894525-T-A. GRCh37 (hg19) VCF-style: chr7-37934127-T-A.
Other names: c.1459T>A (NM_016616.4); short protein forms F487I.
Identifiers: ClinVar variation 1053136 (VCV001053136.10), dbSNP rs755043696, ClinGen allele CA4222537.